The following is an entry in ClinVar:

ClinVar aggregate classification (germline): Pathogenic (1 of 4 stars; one submission).

Submission:

Labcorp Genetics (formerly Invitae), Labcorp
Classification: Pathogenic. Last evaluated: 2021-03-24. Review status: criteria provided, single submitter. Criteria: Invitae Variant Classification Sherloc (09022015). Collection method: clinical testing. Allele origin: germline.
Comment: For these reasons, this variant has been classified as Pathogenic. This variant has not been reported in the literature in individuals with LIFR-related conditions. This variant is present in population databases (rs778953608, ExAC 0.006%). This sequence change creates a premature translational stop signal (p.Leu701Profs*33) in the LIFR gene. It is expected to result in an absent or disrupted protein product. Loss-of-function variants in LIFR are known to be pathogenic (PMID: 14740318).

Literature cited by the submitters: PubMed 14740318.

NM_001127671.2(LIFR):c.2099dup (p.Leu701fs)

Gene: LIFR (LIF receptor subunit alpha; minus strand). Cytogenetic location: 5p13.1.
Variant type: Duplication.
Coding change: c.2099dup on transcript NM_001127671.2 (MANE Select); coding-DNA position 2099, one base duplicated (T; older notation c.2099dupT).
Protein change: p.Leu701fs; shifts the reading frame from leucine 701.
Molecular consequence: frameshift variant.
Genome position (GRCh38, 1-based): chr5:38,490,258, A duplicated on the plus strand (T on the coding strand, the reverse complement: LIFR is on the minus strand); the first of 6 consecutive A bases (chr5:38,490,258-38,490,263); duplicating any one gives the same sequence. VCF-style (leftmost placement, unchanged base first): chr5-38490257-G-GA. GRCh37 (hg19) VCF-style: chr5-38490359-G-GA.
Other names: c.2099dup, p.Leu701fs (NM_001364297.2, NM_001364298.2, NM_002310.6); short protein forms L701fs.
Identifiers: ClinVar variation 1408819 (VCV001408819.6), dbSNP rs778953608, ClinGen allele CA3242753.